The following is an entry in ClinVar:

ClinVar aggregate classification (germline): Uncertain significance (1 of 4 stars; one submission).

Conditions:
Hereditary cancer-predisposing syndrome. Also called: Hereditary Cancer Syndrome; Hereditary neoplastic syndrome; Neoplastic Syndromes, Hereditary; Tumor predisposition. Identifiers: Orphanet 140162, MedGen C0027672, MeSH D009386, MONDO:0015356.

Submission:

Ambry Genetics
Classification: Uncertain significance for Hereditary cancer-predisposing syndrome. Last evaluated: 2025-06-24. Review status: criteria provided, single submitter. Criteria: Ambry Variant Classification Scheme 2023. Collection method: clinical testing. Allele origin: germline.
Comment: The p.V60L variant (also known as c.178G>C), located in coding exon 2 of the EGFR gene, results from a G to C substitution at nucleotide position 178. The valine at codon 60 is replaced by leucine, an amino acid with highly similar properties. This amino acid position is well conserved in available vertebrate species. In addition, the in silico prediction for this alteration is inconclusive. Based on the available evidence, the clinical significance of this variant remains unclear.

NM_005228.5(EGFR):c.178G>C (p.Val60Leu)

Gene: EGFR (epidermal growth factor receptor; plus strand). Cytogenetic location: 7p11.2.
Variant type: single nucleotide variant.
Coding change: c.178G>C on transcript NM_005228.5 (MANE Select); coding-DNA position 178, G replaced by C.
Protein change: p.Val60Leu; replaces valine 60 with leucine.
Molecular consequence: missense variant. On other transcripts: intron variant (1).
Genome position (GRCh38, 1-based): chr7:55,142,375, G>C. VCF-style: chr7-55142375-G-C. GRCh37 (hg19) VCF-style: chr7-55210068-G-C.
Other names: c.178G>C, p.Val60Leu (NM_001346897.2, NM_001346898.2, NM_001346899.2 and 3 more transcripts); c.19G>C, p.Val7Leu (NM_001346900.2); c.89-13455G>C (NM_001346941.2); short protein forms V7L, V60L.
Identifiers: ClinVar variation 4247280 (VCV004247280.1).